The following is an entry in ClinVar:

ClinVar aggregate classification (germline): Conflicting classifications of pathogenicity. Review status: criteria provided, conflicting classifications (1 of 4 stars). 5 submissions from 5 submitters: Uncertain significance (2); Likely benign (3). Last evaluated 2026-01-02.

Conditions:
LRSAM1-related disorder. Also called: LRSAM1-related condition.
Charcot-Marie-Tooth disease axonal type 2P. Also called: CHARCOT-MARIE-TOOTH NEUROPATHY, TYPE 2P; CHARCOT-MARIE-TOOTH DISEASE, AXONAL, TYPE 2G; CMT 2G; Charcot-Marie-Tooth Neuropathy Type 2G. Identifiers: Orphanet 300319, Orphanet 99941, MedGen C3280797, MONDO:0013753, OMIM 614436.

Allele frequency attached by ClinVar (database versions not stated): gnomAD 0.00001 and 0.00008; TOPMed 0.00002; gnomAD exomes 0.00011 and 0.00026; 1000 Genomes Project 30x 0.00016; 1000 Genomes Project 0.00020; ExAC 0.00027.

Submissions (5):

PreventionGenetics, part of Exact Sciences
Classification: Likely benign for LRSAM1-related condition. Last evaluated: 2026-01-02. Review status: criteria provided, single submitter. Criteria: ACMG Guidelines, 2015. Collection method: clinical testing. Allele origin: germline.
Comment: This variant is classified as likely benign based on ACMG/AMP sequence variant interpretation guidelines (Richards et al. 2015 PMID: 25741868, with internal and published modifications).

Labcorp Genetics (formerly Invitae), Labcorp
Classification: Likely benign for Charcot-Marie-Tooth disease axonal type 2P. Last evaluated: 2024-10-10. Review status: criteria provided, single submitter. Criteria: Invitae Variant Classification Sherloc (09022015). Collection method: clinical testing. Allele origin: germline.

Revvity Omics, Revvity
Classification: Uncertain significance for Charcot-Marie-Tooth disease axonal type 2P. Last evaluated: 2019-07-30. Review status: criteria provided, single submitter. Criteria: ACMG Guidelines, 2015. Collection method: clinical testing. Allele origin: germline.

Illumina Laboratory Services, Illumina
Classification: Likely benign for Charcot-Marie-Tooth disease axonal type 2P. Last evaluated: 2018-01-13. Review status: criteria provided, single submitter. Criteria: ICSL Variant Classification Criteria 13 December 2019. Collection method: clinical testing. Allele origin: germline.
Comment: This variant was observed in the ICSL laboratory as part of a predisposition screen in an ostensibly healthy population. It had not been previously curated by ICSL or reported in the Human Gene Mutation Database (HGMD: prior to June 1st, 2018), and was therefore a candidate for classification through an automated scoring system. Utilizing variant allele frequency, disease prevalence and penetrance estimates, and inheritance mode, an automated score was calculated to assess if this variant is too frequent to cause the disease. Based on the score and internal cut-off values, a variant classified as likely benign is not then subjected to further curation. The score for this variant resulted in a classification of likely benign for this disease.

Neuberg Centre For Genomic Medicine, NCGM
Classification: Uncertain significance for Charcot-Marie-Tooth disease axonal type 2P. Review status: criteria provided, single submitter. Criteria: ACMG Guidelines, 2015. Collection method: clinical testing. Allele origin: germline. Inheritance: Autosomal dominant inheritance. Affected: yes.
Comment: The missense variant c.284C>T (p.Ala95Val) in LRSAM1 gene has not been reported previously as a pathogenic variant nor as a benign variant, to our knowledge. This variant is reported with the allele frequency of 0.03% in the gnomad and 0.02% in 1000 genome database. The amino acid Alanine at position 95 is changed to a Valine changing protein sequence and it might alter its composition and physico-chemical properties. The variant is predicted to be damaging by PolyPhen2. The residue is conserved across species. For these reasons, this variant has been classified as Uncertain Significance.

NM_001005373.4(LRSAM1):c.284C>T (p.Ala95Val)

Gene: LRSAM1 (leucine rich repeat and sterile alpha motif containing 1; plus strand). Cytogenetic location: 9q33.3.
Variant type: single nucleotide variant.
Coding change: c.284C>T on transcript NM_001005373.4 (MANE Select); coding-DNA position 284, C replaced by T.
Protein change: p.Ala95Val; replaces alanine 95 with valine.
Molecular consequence: missense variant. On other transcripts: 5 prime UTR variant (1), non-coding transcript variant (2).
Genome position (GRCh38, 1-based): chr9:127,459,034, C>T. VCF-style: chr9-127459034-C-T. GRCh37 (hg19) VCF-style: chr9-130221313-C-T.
Other names: c.284C>T, p.Ala95Val (NM_001005374.4, NM_001190723.3, NM_001384142.1 and 2 more transcripts); c.-501C>T (NM_001384144.1); short protein forms A95V.
Identifiers: ClinVar variation 365010 (VCV000365010.18), dbSNP rs570248730, ClinGen allele CA5246485.
Genomic context (GRCh38, chr9:127,459,034, plus strand): 5'-GGAGACTCACAGGGGTCTTTCTTCTGCAGGTTCTAGATCTCCACGATAATCAGCTGACAG[C>T]CCTTCCTGACGATCTGGGGCAGCTGACTGCCCTCCAGGTAAGGCTGCAGAAACAGAAACC-3'
Protein context (NP_001005373.1, residues 85-105): VLDLHDNQLT[Ala95Val]LPDDLGQLTA